The following is an entry in ClinVar:

ClinVar aggregate classification (germline): Uncertain significance. Review status: criteria provided, multiple submitters, no conflicts (2 of 4 stars). 2 submissions from 2 submitters: Uncertain significance (2). Last evaluated 2024-12-17.

Conditions:
Inborn genetic diseases. Identifiers: MedGen C0950123, MeSH D030342.

gnomAD v4.1: 5 of 1,610,908 alleles (0.00031%); highest among the groups gnomAD compares: Non-Finnish European, 0.00042%; no homozygotes.

Submissions (2):

Women's Health and Genetics/Laboratory Corporation of America, LabCorp
Classification: Uncertain significance. Last evaluated: 2024-12-17. Review status: criteria provided, single submitter. Criteria: LabCorp Variant Classification Summary - May 2015. Collection method: clinical testing. Allele origin: germline.
Comment: Variant summary: STIM1 c.1134G>T (p.Glu378Asp) results in a conservative amino acid change located in the STIM1 Orai1-activating region (IPR032393) of the encoded protein sequence. Three of five in-silico tools predict a benign effect of the variant on protein function. The variant allele was found at a frequency of 4.1e-06 in 246030 control chromosomes. The available data on variant occurrences in the general population are insufficient to allow any conclusion about variant significance. To our knowledge, no occurrence of c.1134G>T in individuals affected with STIM1-Related Disorders and no experimental evidence demonstrating its impact on protein function have been reported. ClinVar contains an entry for this variant (Variation ID: 3323232). Based on the evidence outlined above, the variant was classified as uncertain significance.

Ambry Genetics
Classification: Uncertain significance for Inborn genetic diseases. Last evaluated: 2024-05-13. Review status: criteria provided, single submitter. Criteria: Ambry Variant Classification Scheme 2023. Collection method: clinical testing. Allele origin: germline.

NM_001382567.1(STIM1):c.1134G>T (p.Glu378Asp)

Gene: STIM1 (stromal interaction molecule 1; plus strand). Cytogenetic location: 11p15.4.
Variant type: single nucleotide variant.
Coding change: c.1134G>T on transcript NM_001382567.1 (MANE Select); coding-DNA position 1134, G replaced by T.
Protein change: p.Glu378Asp; replaces glutamic acid 378 with aspartic acid.
Molecular consequence: missense variant. On other transcripts: non-coding transcript variant (2).
Genome position (GRCh38, 1-based): chr11:4,082,348, G>T. VCF-style: chr11-4082348-G-T. GRCh37 (hg19) VCF-style: chr11-4103578-G-T.
Other names: c.1134G>T, p.Glu378Asp (NM_001277961.3, NM_001277962.2, NM_001382568.1 and 1 more transcripts); c.912G>T, p.Glu304Asp (NM_001382566.1, NM_001382573.1, NM_001382575.1 and 4 more transcripts); c.999G>T, p.Glu333Asp (NM_001382569.1); c.906G>T, p.Glu302Asp (NM_001382570.1); c.654G>T, p.Glu218Asp (NM_001382571.1); c.645G>T, p.Glu215Asp (NM_001382580.1, NM_001382581.1); short protein forms E215D, E378D, E333D, E218D, E302D, E304D.
Identifiers: ClinVar variation 3323232 (VCV003323232.2).